The following is an entry in ClinVar:

ClinVar aggregate classification (germline): Uncertain significance (1 of 4 stars; one submission).

Conditions:
Hereditary cancer-predisposing syndrome. Also called: Hereditary Cancer Syndrome; Hereditary neoplastic syndrome; Neoplastic Syndromes, Hereditary; Tumor predisposition. Identifiers: Orphanet 140162, MedGen C0027672, MeSH D009386, MONDO:0015356.

Submission:

Ambry Genetics
Classification: Uncertain significance for Hereditary cancer-predisposing syndrome. Last evaluated: 2025-08-09. Review status: criteria provided, single submitter. Criteria: Ambry Variant Classification Scheme 2023. Collection method: clinical testing. Allele origin: germline.
Comment: The p.T1563S variant (also known as c.4687A>T), located in coding exon 29 of the ALK gene, results from an A to T substitution at nucleotide position 4687. The threonine at codon 1563 is replaced by serine, an amino acid with similar properties. This amino acid position is conserved. In addition, this alteration is predicted to be tolerated by in silico analysis. Based on the available evidence, the clinical significance of this variant remains unclear.

NM_004304.5(ALK):c.4687A>T (p.Thr1563Ser)

Gene: ALK (ALK receptor tyrosine kinase; minus strand). Cytogenetic location: 2p23.2.
Variant type: single nucleotide variant.
Coding change: c.4687A>T on transcript NM_004304.5 (MANE Select); coding-DNA position 4687, A replaced by T.
Protein change: p.Thr1563Ser; replaces threonine 1563 with serine.
Molecular consequence: missense variant.
Genome position (GRCh38, 1-based): chr2:29,193,400, T>A on the plus strand (A>T on the coding strand, the complement: ALK is on the minus strand). VCF-style: chr2-29193400-T-A. GRCh37 (hg19) VCF-style: chr2-29416266-T-A.
Other names: c.1483A>T, p.Thr495Ser (NM_001353765.2); short protein forms T1563S, T495S.
Identifiers: ClinVar variation 4272827 (VCV004272827.1).